The following is an entry in ClinVar:

ClinVar aggregate classification (germline): Conflicting classifications of pathogenicity. Review status: criteria provided, conflicting classifications (1 of 4 stars). 6 submissions from 6 submitters: Uncertain significance (4); Likely benign (1). 1 of the submissions does not count toward it. Last evaluated 2026-08-27.

Conditions:
MYO7A-related disorder. Also called: MYO7A-related disorders.
Inborn genetic diseases. Identifiers: MedGen C0950123, MeSH D030342.
Usher syndrome type 1B (USH1B). Also called: Usher syndrome type IB. Identifiers: MedGen C1848638, MONDO:0700087.

Allele frequency attached by ClinVar (database versions not stated): gnomAD exomes 0.00001 and 0.00003; ExAC 0.00006; ESP Exome Variant Server 0.00008; TOPMed 0.00011; gnomAD 0.00014 and 0.00015.
gnomAD v4.1: 43 of 1,579,706 alleles (0.0027%); highest among the groups gnomAD compares: African/African-American, 0.042%; no homozygotes.

Submissions (6):

PreventionGenetics, part of Exact Sciences
Classification: Uncertain significance for MYO7A-related condition. Last evaluated: 2026-08-27. Review status: criteria provided, single submitter. Criteria: ACMG Guidelines, 2015. Collection method: clinical testing. Allele origin: germline.
Comment: The MYO7A c.5087G>A variant is predicted to result in the amino acid substitution p.Arg1696Gln. To our knowledge, this variant has not been reported in the literature. This variant is reported in 0.030% of alleles in individuals of African descent in gnomAD. At this time, the clinical significance of this variant is uncertain due to the absence of conclusive functional and genetic evidence.

GeneDx
Classification: Uncertain significance. Last evaluated: 2026-08-25. Review status: criteria provided, single submitter. Criteria: GeneDx Variant Classification Process June 2021. Collection method: clinical testing. Allele origin: germline.
Comment: In silico analysis suggests that this missense variant does not alter protein structure/function; Has not been previously published as pathogenic or benign to our knowledge

Labcorp Genetics (formerly Invitae), Labcorp
Classification: Likely benign. Last evaluated: 2026-02-03. Review status: criteria provided, single submitter. Criteria: Invitae Variant Classification Sherloc (09022015). Collection method: clinical testing. Allele origin: germline.

Ambry Genetics
Classification: Uncertain significance for Inborn genetic diseases. Last evaluated: 2025-04-04. Review status: criteria provided, single submitter. Criteria: Ambry Variant Classification Scheme 2023. Collection method: clinical testing. Allele origin: germline.

Blueprint Genetics
Classification: Uncertain significance. Last evaluated: 2021-12-15. Review status: criteria provided, single submitter. Criteria: ACMG Guidelines, 2015. Collection method: clinical testing. Allele origin: germline.

Natera, Inc.
Classification: Uncertain significance for Usher syndrome type 1B. Last evaluated: 2020-04-17. Review status: no assertion criteria provided. Collection method: clinical testing. Allele origin: germline. Not counted in ClinVar's aggregate classification.

NM_000260.4(MYO7A):c.5087G>A (p.Arg1696Gln)

Gene: MYO7A (myosin VIIA; plus strand). Cytogenetic location: 11q13.5.
Variant type: single nucleotide variant.
Coding change: c.5087G>A on transcript NM_000260.4 (MANE Select); coding-DNA position 5087, G replaced by A.
Protein change: p.Arg1696Gln; replaces arginine 1696 with glutamine.
Molecular consequence: missense variant.
Genome position (GRCh38, 1-based): chr11:77,202,343, G>A. VCF-style: chr11-77202343-G-A. GRCh37 (hg19) VCF-style: chr11-76913388-G-A.
Other names: c.4973G>A, p.Arg1658Gln (NM_001127180.2); c.4940G>A, p.Arg1647Gln (NM_001369365.1); short protein forms R1647Q, R1658Q, R1696Q.
Identifiers: ClinVar variation 991575 (VCV000991575.15), dbSNP rs368862510, ClinGen allele CA6198619.